The following is an entry in ClinVar:

NM_000528.4(MAN2B1):c.2562C>T (p.Ala854=)

Gene: MAN2B1 (mannosidase alpha class 2B member 1; minus strand). Cytogenetic location: 19p13.13.
Variant type: single nucleotide variant.
Coding change: c.2562C>T on transcript NM_000528.4 (MANE Select); coding-DNA position 2562, C replaced by T.
Protein change: p.Ala854=; no amino-acid change (alanine 854 retained).
Molecular consequence: synonymous variant.
Genome position (GRCh38, 1-based): chr19:12,648,277, G>A on the plus strand (C>T on the coding strand, the complement: MAN2B1 is on the minus strand). VCF-style: chr19-12648277-G-A. GRCh37 (hg19) VCF-style: chr19-12759091-G-A.
Other names: c.2562C>T (NM_000528.3); c.2559C>T, p.Ala853= (NM_001173498.2).
Identifiers: ClinVar variation 1110868 (VCV001110868.10), dbSNP rs10410289, ClinGen allele CA9225985.

ClinVar aggregate classification (germline): Likely benign. Review status: criteria provided, multiple submitters, no conflicts (2 of 4 stars). 2 submissions from 2 submitters: Likely benign (2). Last evaluated 2025-11-28.

Conditions:
Deficiency of alpha-mannosidase (MANSA). Also called: Mannosidosis, alpha-, types I and II; Alpha-Mannosidosis; LYSOSOMAL ALPHA-D-MANNOSIDASE DEFICIENCY. Identifiers: Orphanet 61, MedGen C0024748, MONDO:0009561, OMIM 248500.
MAN2B1-related disorder. Also called: MAN2B1-related condition.

gnomAD v4.1: 34 of 1,609,582 alleles (0.0021%); highest among the groups gnomAD compares: Admixed American, 0.005%; no homozygotes.

Submissions (2):

Labcorp Genetics (formerly Invitae), Labcorp
Classification: Likely benign for Deficiency of alpha-mannosidase. Last evaluated: 2025-11-28. Review status: criteria provided, single submitter. Criteria: Invitae Variant Classification Sherloc (09022015). Collection method: clinical testing. Allele origin: germline.

PreventionGenetics, part of Exact Sciences
Classification: Likely benign for MAN2B1-related condition. Last evaluated: 2024-12-04. Review status: criteria provided, single submitter. Criteria: ACMG Guidelines, 2015. Collection method: clinical testing. Allele origin: germline.
Comment: This variant is classified as likely benign based on ACMG/AMP sequence variant interpretation guidelines (Richards et al. 2015 PMID: 25741868, with internal and published modifications).